The following is an entry in ClinVar:

NM_000548.5(TSC2):c.5040C>T (p.Cys1680=)

Gene: TSC2 (TSC complex subunit 2; plus strand). Cytogenetic location: 16p13.3.
Variant type: single nucleotide variant.
Coding change: c.5040C>T on transcript NM_000548.5 (MANE Select); coding-DNA position 5040, C replaced by T.
Protein change: p.Cys1680=; no amino-acid change (cysteine 1680 retained).
Molecular consequence: synonymous variant.
Genome position (GRCh38, 1-based): chr16:2,087,913, C>T. VCF-style: chr16-2087913-C-T. GRCh37 (hg19) VCF-style: chr16-2137914-C-T.
Other names: c.4839C>T, p.Cys1613= (NM_001077183.3); c.4971C>T, p.Cys1657= (NM_001114382.3); c.4731C>T, p.Cys1577= (NM_001318827.2); c.4695C>T, p.Cys1565= (NM_001318829.2); c.4308C>T, p.Cys1436= (NM_001318831.2); c.4872C>T, p.Cys1624= (NM_001318832.2); c.4842C>T, p.Cys1614= (NM_001363528.2); c.4908C>T, p.Cys1636= (NM_001370404.1); and 1 more.
Identifiers: ClinVar variation 468133 (VCV000468133.20), dbSNP rs139591455, ClinGen allele CA053585.
Genomic context (GRCh38, chr16:2,087,913, plus strand): 5'-GTCCGGGCAGGGCCAGTTCAACTTTGTCCACGTGATCGTCACCCCGCTGGACTACGAGTG[C>T]AACCTGGTGTCCCTGCAGTGCAGGAAAGGTAGGGCCGGGTGGGGCCCTGCAGTGCAGGAA-3'
Protein context (NP_000539.2, residues 1670-1690): HVIVTPLDYE[Cys1680=]NLVSLQCRKD

ClinVar aggregate classification (germline): Benign/Likely benign. Review status: criteria provided, multiple submitters, no conflicts (2 of 4 stars). 5 submissions from 5 submitters: Benign (3); Likely benign (2). Last evaluated 2025-12-31.

Conditions:
Tuberous sclerosis 2 (TSC2). Identifiers: Orphanet 805, MedGen C1860707, MONDO:0013199, OMIM 613254.
Hereditary cancer-predisposing syndrome. Also called: Hereditary neoplastic syndrome; Neoplastic Syndromes, Hereditary; Tumor predisposition; Hereditary Cancer Syndrome. Identifiers: Orphanet 140162, MedGen C0027672, MeSH D009386, MONDO:0015356.

Allele frequency attached by ClinVar (database versions not stated): gnomAD exomes below 0.00001 and 0.00001; ExAC 0.00003; TOPMed 0.00003; gnomAD 0.00005 and 0.00006; ESP Exome Variant Server 0.00015.

Submissions (5):

Labcorp Genetics (formerly Invitae), Labcorp
Classification: Benign for Tuberous sclerosis 2. Last evaluated: 2025-12-31. Review status: criteria provided, single submitter. Criteria: Invitae Variant Classification Sherloc (09022015). Collection method: clinical testing. Allele origin: germline.

Myriad Genetics, Inc.
Classification: Benign for Tuberous sclerosis 2. Last evaluated: 2025-06-05. Review status: criteria provided, single submitter. Criteria: Myriad Autosomal Dominant, Autosomal Recessive and X-Linked Classification Criteria (2023). Collection method: clinical testing. Allele origin: unknown.
Comment: This variant is considered benign. This variant is a silent/synonymous amino acid change and it is not expected to impact splicing.

Women's Health and Genetics/Laboratory Corporation of America, LabCorp
Classification: Likely benign. Last evaluated: 2024-05-08. Review status: criteria provided, single submitter. Criteria: LabCorp Variant Classification Summary - May 2015. Collection method: clinical testing. Allele origin: germline.

Genome-Nilou Lab
Classification: Benign for Tuberous sclerosis 2. Last evaluated: 2021-11-07. Review status: criteria provided, single submitter. Criteria: ACMG Guidelines, 2015. Collection method: clinical testing. Allele origin: germline. Affected: no.

Ambry Genetics
Classification: Likely benign for Hereditary cancer-predisposing syndrome. Last evaluated: 2019-03-25. Review status: criteria provided, single submitter. Criteria: Ambry Variant Classification Scheme 2023. Collection method: clinical testing. Allele origin: germline.